The following is an entry in ClinVar:

ClinVar aggregate classification (germline): Uncertain significance (1 of 4 stars; one submission).

Conditions:
Chédiak-Higashi syndrome (CHS). Also called: Chediak-Higashi Syndrome. Identifiers: Orphanet 167, MedGen C0007965, MONDO:0008963, OMIM 214500.

Allele frequency attached by ClinVar (database versions not stated): ExAC 0.00003.
gnomAD v4.1: 33 of 1,614,054 alleles (0.002%); highest among the groups gnomAD compares: East Asian, 0.069%; no homozygotes.

Submission:

Labcorp Genetics (formerly Invitae), Labcorp
Classification: Uncertain significance for Chédiak-Higashi syndrome. Last evaluated: 2025-11-25. Review status: criteria provided, single submitter. Criteria: Invitae Variant Classification Sherloc (09022015). Collection method: clinical testing. Allele origin: germline.
Comment: This sequence change replaces cysteine, which is neutral and slightly polar, with glycine, which is neutral and non-polar, at codon 943 of the LYST protein (p.Cys943Gly). This variant is present in population databases (rs750462786, gnomAD 0.03%). This variant has not been reported in the literature in individuals affected with LYST-related conditions. ClinVar contains an entry for this variant (Variation ID: 2177571). Invitae Evidence Modeling of protein sequence and biophysical properties (such as structural, functional, and spatial information, amino acid conservation, physicochemical variation, residue mobility, and thermodynamic stability) indicates that this missense variant is not expected to disrupt LYST protein function with a negative predictive value of 80%. Algorithms developed to predict the effect of sequence changes on RNA splicing suggest that this variant may create or strengthen a splice site. In summary, the available evidence is currently insufficient to determine the role of this variant in disease. Therefore, it has been classified as a Variant of Uncertain Significance.

NM_000081.4(LYST):c.2827T>G (p.Cys943Gly)

Gene: LYST (lysosomal trafficking regulator; minus strand). Cytogenetic location: 1q42.3.
Variant type: single nucleotide variant.
Coding change: c.2827T>G on transcript NM_000081.4 (MANE Select); coding-DNA position 2827, T replaced by G.
Protein change: p.Cys943Gly; replaces cysteine 943 with glycine.
Molecular consequence: missense variant.
Genome position (GRCh38, 1-based): chr1:235,806,309, A>C on the plus strand (T>G on the coding strand, the complement: LYST is on the minus strand). VCF-style: chr1-235806309-A-C. GRCh37 (hg19) VCF-style: chr1-235969609-A-C.
Other names: c.2827T>G, p.Cys943Gly (NM_001301365.1); short protein forms C943G.
Identifiers: ClinVar variation 2177571 (VCV002177571.2), dbSNP rs750462786, ClinGen allele CA1467203.